The following is an entry in ClinVar:

ClinVar aggregate classification (germline): Pathogenic. Review status: criteria provided, multiple submitters, no conflicts (2 of 4 stars). 4 submissions from 4 submitters: Pathogenic (4). Last evaluated 2025-06-12.

Conditions:
Leber congenital amaurosis (LCA). Also called: Leber's amaurosis. Identifiers: Orphanet 65, MedGen C0339527, MeSH D057130, MONDO:0018998.
Bardet-Biedl syndrome 14 (BBS14). Identifiers: Orphanet 110, MedGen C2673874, MONDO:0014442, OMIM 615991.
CEP290-related ciliopathy. Also called: CEP290 ciliopathy. Identifiers: MedGen CN305601, MONDO:0100451.
Meckel-Gruber syndrome. Also called: Dysencephalia splachnocystica; DYSENCEPHALIA SPLANCHNOCYSTICA; GRUBER SYNDROME. Identifiers: Orphanet 564, MedGen C0265215, MONDO:0018921.
Nephronophthisis. Also called: Juvenile Nephronophthisis. Identifiers: Orphanet 655, MedGen C0687120, MONDO:0019005, HP:0000090.
Joubert syndrome. Also called: Familial aplasia of the vermis; JOUBERT-BOLTSHAUSER SYNDROME. Identifiers: Orphanet 475, MedGen C5979921, MONDO:0018772.

Submissions (4):

Labcorp Genetics (formerly Invitae), Labcorp
Classification: Pathogenic for Joubert syndrome; Meckel-Gruber syndrome; Nephronophthisis. Last evaluated: 2025-06-12. Review status: criteria provided, single submitter. Criteria: Invitae Variant Classification Sherloc (09022015). Collection method: clinical testing. Allele origin: germline.
Comment: This sequence change creates a premature translational stop signal (p.Leu416*) in the CEP290 gene. It is expected to result in an absent or disrupted protein product. Loss-of-function variants in CEP290 are known to be pathogenic (PMID: 16909394, 17345604, 20690115). This variant is not present in population databases (gnomAD no frequency). This premature translational stop signal has been observed in individual(s) with CEP290-related conditions (PMID: 29186038). ClinVar contains an entry for this variant (Variation ID: 1459116). For these reasons, this variant has been classified as Pathogenic.

Natera, Inc.
Classification: Pathogenic for Leber congenital amaurosis. Last evaluated: 2024-09-13. Review status: criteria provided, single submitter. Criteria: Natera Variant Classification Schema (03/2026). Collection method: clinical testing. Allele origin: germline.
Comment: The c.1247T>G variant in CEP290 is a nonsense variant predicted to introduce a stop codon at amino acid 416. This variant is expected to result in nonsense mediated decay, truncation, or a dysfunctional protein product. This variant is rare in the general population with a frequency below the threshold expected for the associated phenotype(s). This variant has been observed in one or more individuals affected with the associated recessive disease, as either homozygous or compound heterozygous with a second variant (PMID: 29186038). Given the available evidence, this variant is classified as Pathogenic.

Myriad Genetics, Inc.
Classification: Pathogenic for CEP290-related ciliopathy. Last evaluated: 2024-05-09. Review status: criteria provided, single submitter. Criteria: Myriad Autosomal Dominant, Autosomal Recessive and X-Linked Classification Criteria (2023). Collection method: clinical testing. Allele origin: unknown.
Comment: NM_025114.3(CEP290):c.1247T>G(L416*) is expected to be pathogenic in the context of CEP290-related disorders. This variant is predicted to lead to an abnormal or absent protein product due to the creation of a premature termination codon in CEP290, a gene where loss-of-function variants are known to be pathogenic. Please note: this variant was assessed in the context of healthy population screening.

Baylor Genetics
Classification: Pathogenic for Bardet-Biedl syndrome 14. Last evaluated: 2023-12-13. Review status: criteria provided, single submitter. Criteria: ACMG Guidelines, 2015. Collection method: clinical testing. Allele origin: unknown.

Literature cited by the submitters: PubMed 16909394 (cited by Labcorp Genetics (formerly Invitae), Labcorp); PubMed 17345604 (cited by Labcorp Genetics (formerly Invitae), Labcorp); PubMed 20690115 (cited by Labcorp Genetics (formerly Invitae), Labcorp); PubMed 29186038 (cited by Labcorp Genetics (formerly Invitae), Labcorp and Natera, Inc.).

NM_025114.4(CEP290):c.1247T>G (p.Leu416Ter)

Gene: CEP290 (centrosomal protein 290; minus strand). Cytogenetic location: 12q21.32.
Variant type: single nucleotide variant.
Coding change: c.1247T>G on transcript NM_025114.4 (MANE Select); coding-DNA position 1247, T replaced by G.
Protein change: p.Leu416Ter; replaces leucine 416 with a stop codon.
Molecular consequence: nonsense.
Genome position (GRCh38, 1-based): chr12:88,121,109, A>C on the plus strand (T>G on the coding strand, the complement: CEP290 is on the minus strand). VCF-style: chr12-88121109-A-C. GRCh37 (hg19) VCF-style: chr12-88514886-A-C.
Other names: c.1247T>G (NM_025114.3); short protein forms L416*.
Identifiers: ClinVar variation 1459116 (VCV001459116.11), dbSNP rs1269182131, ClinGen allele CA385980733.
Genomic context (GRCh38, chr12:88,121,109, plus strand): 5'-TCCCTAGCATCAGCCTCAGCCAGTTCAGCTGTTCTCTCAGCCTCTTTAGTTTTCTCTTTT[A>C]AAATGTCTAACGTTGACTGAATTTTCATATGAGTCTGTTGAGAAAGGGTTGAAGCACCTA-3'